The following is an entry in ClinVar:

ClinVar aggregate classification (germline): Likely benign. Review status: criteria provided, single submitter (1 of 4 stars). 2 submissions from 2 submitters: Likely benign (1). 1 of the submissions does not count toward it. Last evaluated 2024-01-29.

Conditions:
PCNT-related disorder. Also called: PCNT-related condition.

gnomAD v4.1: 32 of 1,596,828 alleles (0.002%); highest among the groups gnomAD compares: South Asian, 0.01%; no homozygotes.

Submissions (2):

Labcorp Genetics (formerly Invitae), Labcorp
Classification: Likely benign. Last evaluated: 2024-01-29. Review status: criteria provided, single submitter. Criteria: Invitae Variant Classification Sherloc (09022015). Collection method: clinical testing. Allele origin: germline.

PreventionGenetics, part of Exact Sciences
Classification: Likely benign for PCNT-related condition. Last evaluated: 2022-03-15. Review status: no assertion criteria provided. Collection method: clinical testing. Allele origin: germline. Not counted in ClinVar's aggregate classification.
Comment: This variant is classified as likely benign based on ACMG/AMP sequence variant interpretation guidelines (Richards et al. 2015 PMID: 25741868, with internal and published modifications).

NM_006031.6(PCNT):c.747G>A (p.Ala249=)

Gene: PCNT (pericentrin; plus strand). Cytogenetic location: 21q22.3.
Variant type: single nucleotide variant.
Coding change: c.747G>A on transcript NM_006031.6 (MANE Select); coding-DNA position 747, G replaced by A.
Protein change: p.Ala249=; no amino-acid change (alanine 249 retained).
Molecular consequence: synonymous variant.
Genome position (GRCh38, 1-based): chr21:46,346,769, G>A. VCF-style: chr21-46346769-G-A. GRCh37 (hg19) VCF-style: chr21-47766683-G-A.
Other names: c.747G>A (NM_006031.5); c.393G>A, p.Ala131= (NM_001315529.2).
Identifiers: ClinVar variation 2968295 (VCV002968295.4), dbSNP rs779621529, ClinGen allele CA10078405.
Genomic context (GRCh38, chr21:46,346,769, plus strand): 5'-TGGGCCCTTATCAGAGGCCTTTTCTCCGCCGCAGGCCGTGCATGGCCTTGAGCTGGAGGC[G>A]CTGCGCCTGAGTCTGAGCAACATGCACACGGCGCAGCTGGAGCTGACACAGGCCAACCTC-3'
Protein context (NP_006022.3, residues 239-259): SQAVHGLELE[Ala249=]LRLSLSNMHT